The following is an entry in ClinVar:

ClinVar aggregate classification (germline): Pathogenic (1 of 4 stars; one submission).

Conditions:
JAG1-related disorder. Also called: JAG1-related condition; JAG1-related disorders.

Submission:

PreventionGenetics, part of Exact Sciences
Classification: Pathogenic for JAG1-related condition. Last evaluated: 2024-12-05. Review status: criteria provided, single submitter. Criteria: ACMG Guidelines, 2015. Collection method: clinical testing. Allele origin: germline.
Comment: The JAG1 c.2084delA variant is predicted to result in a frameshift and premature protein termination (p.Asn695Metfs*48). This variant has been reported in an individual with Alagille syndrome (Gilbert et al 2019. PubMed ID: 31343788). This variant has not been reported in a large population database, indicating this variant is rare. Frameshift variants in JAG1 are expected to be pathogenic. This variant is interpreted as pathogenic.

NM_000214.3(JAG1):c.2084del (p.Asn695fs)

Gene: JAG1 (jagged canonical Notch ligand 1; minus strand). Cytogenetic location: 20p12.2.
Variant type: Deletion.
Coding change: c.2084del on transcript NM_000214.3 (MANE Select); coding-DNA position 2084, one base deleted (A; older notation c.2084delA).
Protein change: p.Asn695fs; shifts the reading frame from asparagine 695.
Molecular consequence: frameshift variant.
Genome position (GRCh38, 1-based): chr20:10,645,385, T deleted on the plus strand (A on the coding strand, the reverse complement: JAG1 is on the minus strand); the first of 5 consecutive T bases (chr20:10,645,385-10,645,389); deleting any one gives the same sequence. VCF-style (leftmost placement, unchanged base first): chr20-10645384-AT-A. GRCh37 (hg19) VCF-style: chr20-10626032-AT-A.
Other names: short protein forms N695fs.
Identifiers: ClinVar variation 4988708 (VCV004988708.1).
Genomic context (GRCh38, chr20:10,645,384, plus strand): 5'-AGAGATAGCATCCAAGGCCAACTACCACTTACGTGAGTGGCAGGTCTTTCCTTTCCACCC[AT>A]TTTTACAGTCACAGTAGAAGTCATTGACCAGGTCGCGACACGTGCCCCCATTGTGGCAGG-3'